The following is an entry in ClinVar:

ClinVar aggregate classification (germline): Uncertain significance. Review status: criteria provided, multiple submitters, no conflicts (2 of 4 stars). 4 submissions from 4 submitters: Uncertain significance (4). Last evaluated 2025-12-03.

Conditions:
Hereditary cancer-predisposing syndrome. Also called: Hereditary neoplastic syndrome; Neoplastic Syndromes, Hereditary; Hereditary Cancer Syndrome; Tumor predisposition. Identifiers: Orphanet 140162, MedGen C0027672, MeSH D009386, MONDO:0015356.

Allele frequency attached by ClinVar (database versions not stated): gnomAD 0.00002; TOPMed 0.00002.
gnomAD v4.1: 40 of 1,613,024 alleles (0.0025%); highest among the groups gnomAD compares: Non-Finnish European, 0.0033%; no homozygotes.

Submissions (4):

Labcorp Genetics (formerly Invitae), Labcorp
Classification: Uncertain significance. Last evaluated: 2025-12-03. Review status: criteria provided, single submitter. Criteria: Invitae Variant Classification Sherloc (09022015). Collection method: clinical testing. Allele origin: germline.
Comment: This sequence change replaces alanine, which is neutral and non-polar, with glycine, which is neutral and non-polar, at codon 38 of the HOXB13 protein (p.Ala38Gly). This variant is present in population databases (rs587780160, gnomAD 0.003%). This variant has not been reported in the literature in individuals affected with HOXB13-related conditions. ClinVar contains an entry for this variant (Variation ID: 128029). An algorithm developed to predict the effect of missense changes on protein structure and function outputs the following: PolyPhen-2: "Benign". The glycine amino acid residue is found in multiple mammalian species, which suggests that this missense change does not adversely affect protein function. In summary, the available evidence is currently insufficient to determine the role of this variant in disease. Therefore, it has been classified as a Variant of Uncertain Significance.

Ambry Genetics
Classification: Uncertain significance for Hereditary cancer-predisposing syndrome. Last evaluated: 2025-08-07. Review status: criteria provided, single submitter. Criteria: Ambry Variant Classification Scheme 2023. Collection method: clinical testing. Allele origin: germline.
Comment: The p.A38G variant (also known as c.113C>G), located in coding exon 1 of the HOXB13 gene, results from a C to G substitution at nucleotide position 113. The alanine at codon 38 is replaced by glycine, an amino acid with similar properties. This amino acid position is well conserved in available vertebrate species. In addition, this alteration is predicted to be tolerated by in silico analysis. Since supporting evidence is limited at this time, the clinical significance of this alteration remains unclear.

Quest Diagnostics Nichols Institute San Juan Capistrano
Classification: Uncertain significance. Last evaluated: 2025-05-15. Review status: criteria provided, single submitter. Criteria: Quest Diagnostics criteria. Collection method: clinical testing. Allele origin: unknown.
Comment: The HOXB13 c.113C>G (p.Ala38Gly) variant has been reported in the published literature in an individual with benign prostatic hyperplasia (PMID: 32660704 (2021)). The frequency of this variant in the general population (Genome Aggregation Database) is uninformative in the assessment of its pathogenicity. Analysis of this variant using bioinformatics tools for the prediction of the effect of amino acid changes on protein structure and function yielded predictions that this variant is benign. Based on the available information, we are unable to determine the clinical significance of this variant.

GeneDx
Classification: Uncertain significance. Last evaluated: 2023-12-24. Review status: criteria provided, single submitter. Criteria: GeneDx Variant Classification Process June 2021. Collection method: clinical testing. Allele origin: germline. Affected: yes.
Comment: Not observed at significant frequency in large population cohorts (gnomAD); In silico analysis supports that this missense variant does not alter protein structure/function; Observed in an individual with prostate cancer (PMID: 32660704); This variant is associated with the following publications: (PMID: Abumsimir2020[somatic], 32660704)

Literature cited by the submitters: PubMed 32660704 (cited by Quest Diagnostics Nichols Institute San Juan Capistrano).

NM_006361.6(HOXB13):c.113C>G (p.Ala38Gly)

Gene: HOXB13 (homeobox B13; minus strand). Cytogenetic location: 17q21.32.
Variant type: single nucleotide variant.
Coding change: c.113C>G on transcript NM_006361.6 (MANE Select); coding-DNA position 113, C replaced by G.
Protein change: p.Ala38Gly; replaces alanine 38 with glycine.
Molecular consequence: missense variant.
Genome position (GRCh38, 1-based): chr17:48,728,481, G>C on the plus strand (C>G on the coding strand, the complement: HOXB13 is on the minus strand). VCF-style: chr17-48728481-G-C. GRCh37 (hg19) VCF-style: chr17-46805843-G-C.
Other names: p.A38G:GCG>GGG; short protein forms A38G.
Identifiers: ClinVar variation 128029 (VCV000128029.18), dbSNP rs587780160, ClinGen allele CA288219.